The following is an entry in ClinVar:

ClinVar aggregate classification (germline): Conflicting classifications of pathogenicity. Review status: criteria provided, conflicting classifications (1 of 4 stars). 13 submissions from 13 submitters: Uncertain significance (2); Benign (2); Likely benign (6). 3 of the submissions do not count toward it. Last evaluated 2026-01-31.

Conditions:
Malignant tumor of breast. Also called: Cancer breast; Malignant breast neoplasm. Identifiers: MedGen C0006142, MONDO:0007254. Disease mechanism: loss of function.
Hereditary breast ovarian cancer syndrome. Also called: BRCA1- and BRCA2-Associated Hereditary Breast and Ovarian Cancer; Hereditary breast and ovarian cancer syndrome; Hereditary breast and ovarian cancer syndrome (HBOC); Breast and ovarian cancer; Hereditary breast and/or ovarian cancer syndrome; Hereditary breast and ovarian cancer. Identifiers: Orphanet 145, MedGen C0677776, MeSH D061325, MONDO:0003582. Disease mechanism: loss of function.
Hereditary cancer-predisposing syndrome. Also called: Hereditary Cancer Syndrome; Hereditary neoplastic syndrome; Neoplastic Syndromes, Hereditary; Tumor predisposition. Identifiers: Orphanet 140162, MedGen C0027672, MeSH D009386, MONDO:0015356.
Breast-ovarian cancer, familial, susceptibility to, 1 (BROVCA1). Also called: BRCA1 Hereditary Breast and Ovarian Cancer; OVARIAN CANCER, SUSCEPTIBILITY TO. Identifiers: Orphanet 145, MedGen C2676676, MONDO:0011450, OMIM 604370. Disease mechanism: loss of function.

Allele frequency attached by ClinVar (database versions not stated): gnomAD 0.00001; gnomAD exomes 0.00002; 1000 Genomes Project 30x 0.00016; 1000 Genomes Project 0.00020; ExAC 0.00001.
gnomAD v4.1: 11 of 1,614,192 alleles (0.00068%); highest among the groups gnomAD compares: Non-Finnish European, 0.00085%; no homozygotes.

Submissions (13):

Labcorp Genetics (formerly Invitae), Labcorp
Classification: Likely benign for Hereditary breast ovarian cancer syndrome. Last evaluated: 2026-01-31. Review status: criteria provided, single submitter. Criteria: Invitae Variant Classification Sherloc (09022015). Collection method: clinical testing. Allele origin: germline.

Quest Diagnostics Nichols Institute San Juan Capistrano
Classification: Uncertain significance. Last evaluated: 2024-07-18. Review status: criteria provided, single submitter. Criteria: Quest Diagnostics criteria. Collection method: clinical testing. Allele origin: unknown.
Comment: The BRCA1 c.3835G>A (p.Ala1279Thr) variant has been reported in the published literature in individuals/families affected with breast and/or ovarian cancer (PMIDs: 16267036 (2005), 27062684 (2016), 34658299 (2021), 38652475 (2024), 38709234 (2024)) and renal cell carcinoma (PMID: 38512353 (2024)). However, it has also been described as being likely benign in a multifactorial likelihood study (PMID: 31131967 (2019)). The frequency of this variant in the general population, 0.000035 (4/113450 chromosomes (Genome Aggregation Database)), is uninformative in the assessment of its pathogenicity. Analysis of this variant using bioinformatics tools for the prediction of the effect of amino acid changes on protein structure and function yielded predictions that this variant is benign. Based on the available information, we are unable to determine the clinical significance of this variant.

Blueprint Genetics
Classification: Likely benign. Last evaluated: 2024-06-11. Review status: criteria provided, single submitter. Criteria: ACMG Guidelines, 2015. Collection method: clinical testing. Allele origin: germline.

All of Us Research Program, National Institutes of Health
Classification: Benign for Breast-ovarian cancer, familial, susceptibility to, 1. Last evaluated: 2023-11-20. Review status: criteria provided, single submitter. Criteria: ACMG Guidelines, 2015. Collection method: clinical testing. Allele origin: germline. Inheritance: Autosomal dominant inheritance. Observed: 1 variant allele, 1 heterozygote.
Comment: This study involves interpretation of variants in research participants for the purpose of population health screening. Participant phenotype was not available at the time of variant classification. Additional details can be found in publication PMID: 35346344, PMCID: PMC8962531

University of Washington Department of Laboratory Medicine, University of Washington
Classification: Likely benign for Hereditary cancer-predisposing syndrome. Last evaluated: 2023-03-23. Review status: criteria provided, single submitter. Criteria: Dines et al. (Genet Med. 2020). Collection method: curation. Allele origin: germline.
Comment: Missense variant in a coldspot region where missense variants are very unlikely to be pathogenic (PMID:31911673).

BRCA1 coldspot (exon 11 using historical exon numbering). Reclassification based on statistical prior probability

Genetic Services Laboratory, University of Chicago
Classification: Likely benign. Last evaluated: 2019-06-27. Review status: criteria provided, single submitter. Criteria: ACMG Guidelines, 2015. Collection method: clinical testing. Allele origin: germline. Affected: no.

Ambry Genetics
Classification: Likely benign for Hereditary cancer-predisposing syndrome. Last evaluated: 2019-01-31. Review status: criteria provided, single submitter. Criteria: Ambry Variant Classification Scheme 2023. Collection method: clinical testing. Allele origin: germline.

PreventionGenetics, part of Exact Sciences
Classification: Uncertain significance. Last evaluated: 2017-12-20. Review status: criteria provided, single submitter. Criteria: ACMG Guidelines, 2015. Collection method: clinical testing. Allele origin: germline.

Color Diagnostics, LLC DBA Color Health
Classification: Benign for Hereditary cancer-predisposing syndrome. Last evaluated: 2017-04-10. Review status: criteria provided, single submitter. Criteria: ACMG Guidelines, 2015. Collection method: clinical testing. Allele origin: germline.

GeneDx
Classification: Likely benign. Last evaluated: 2016-10-25. Review status: criteria provided, single submitter. Criteria: GeneDx Variant Classification (06012015). Collection method: clinical testing. Allele origin: germline. Affected: yes.
Comment: This variant is considered likely benign or benign based on one or more of the following criteria: it is a conservative change, it occurs at a poorly conserved position in the protein, it is predicted to be benign by multiple in silico algorithms, and/or has population frequency not consistent with disease.

Sharing Clinical Reports Project (SCRP)
Classification: Benign for Breast-ovarian cancer, familial 1. Last evaluated: 2012-03-26. Review status: no assertion criteria provided. Collection method: clinical testing. Allele origin: germline. Not counted in ClinVar's aggregate classification.

Breast Cancer Information Core (BIC) (BRCA1)
Classification: Uncertain significance for Breast-ovarian cancer, familial 1. Last evaluated: 2004-11-25. Review status: no assertion criteria provided. Collection method: clinical testing. Allele origin: germline. Affected: yes. Observed: 1 variant allele. Not counted in ClinVar's aggregate classification.

Department of Pathology and Laboratory Medicine, Sinai Health System
Classification: Likely benign for Malignant tumor of breast. Review status: no assertion criteria provided. Collection method: clinical testing. Allele origin: unknown. Affected: yes. Study: The Canadian Open Genetics Repository (COGR). Not counted in ClinVar's aggregate classification.
Comment: The BRCA1 p.Ala1279Thr variant was not identified in the literature nor was it identified in the GeneInsight-COGR, COSMIC, MutDB, ARUP Laboratories, or Zhejiang Colon Cancer databases. The variant was identified in dbSNP (ID: rs80357036) as â€šÃ„ÃºWith Uncertain significance, other alleleâ€šÃ„Ã¹, ClinVar and Clinvitae (3x classified as uncertain significance by Invitae, Quest Diagnostics and BIC; 2x classified as likely benign by Ambry Genetics and GeneDx; 1x classified as benign by SCRP), LOVD 3.0 (5 entries classified as effect unknown or not classified), UMD-LSDB (2 entries, classification neutral, 1 entry with a co-occurring pathogenic variant), BIC Database (1 entry, clinical importance unknown) databases. The variant was identified in control databases in 4 of 245878 chromosomes at a frequency of 0.000016 (Genome Aggregation Database Feb 27, 2017). Breakdown of the observations by population include European Non-Finnish in 4 of 111354 chromosomes (freq: 0.000036), while the variant was not observed in the African, Other, Latino, Ashkenazi Jewish, East Asian, European Finnish, and South Asian populations. The p.Ala1279Thr residue is not conserved in mammals; indeed a threonine residue is observed in Gorilla gorilla at this position. Computational analyses (PolyPhen-2, SIFT, AlignGVGD, BLOSUM, MutationTaster) do not suggest a high likelihood of impact to the protein; however, this information is not predictive enough to rule out pathogenicity. The variant occurs outside of the splicing consensus sequence and 1 of 5 in silico or computational prediction software programs (SpliceSiteFinder, MaxEntScan, NNSPLICE, GeneSplicer, HumanSpliceFinder) predict a greater than 10% difference in splicing; this is not very predictive of pathogenicity. In summary, based on the above information the clinical significance of this variant cannot be determined with certainty at this time although we would lean towards a more benign role for this variant. This variant is classified as likely benign.

Literature cited by the submitters: PubMed 31131967 (cited by Quest Diagnostics Nichols Institute San Juan Capistrano); PubMed 32546644 (cited by Quest Diagnostics Nichols Institute San Juan Capistrano); PubMed 33087888 (cited by Quest Diagnostics Nichols Institute San Juan Capistrano); PubMed 27062684 (cited by Quest Diagnostics Nichols Institute San Juan Capistrano); PubMed 30702160 (cited by Quest Diagnostics Nichols Institute San Juan Capistrano); PubMed 34658299 (cited by Quest Diagnostics Nichols Institute San Juan Capistrano); PubMed 38652475 (cited by Quest Diagnostics Nichols Institute San Juan Capistrano); PubMed 38512353 (cited by Quest Diagnostics Nichols Institute San Juan Capistrano); PubMed 38709234 (cited by Quest Diagnostics Nichols Institute San Juan Capistrano); PubMed 38271184 (cited by Quest Diagnostics Nichols Institute San Juan Capistrano); PubMed 16267036 (cited by Quest Diagnostics Nichols Institute San Juan Capistrano).

NM_007294.4(BRCA1):c.3835G>A (p.Ala1279Thr)

Genes: BRCA1 (BRCA1 DNA repair associated; minus strand), LOC126862571 (BRD4-independent group 4 enhancer GRCh37_chr17:41243136-41244335; plus strand). Cytogenetic location: 17q21.31.
Variant type: single nucleotide variant.
Coding change: c.3835G>A on transcript NM_007294.4 (MANE Select); coding-DNA position 3835, G replaced by A.
Protein change: p.Ala1279Thr; replaces alanine 1279 with threonine.
Molecular consequence: missense variant. On other transcripts: intron variant (135).
Genome position (GRCh38, 1-based): chr17:43,091,696, C>T on the plus strand (G>A on the coding strand, the complement: BRCA1 is on the minus strand). VCF-style: chr17-43091696-C-T. GRCh37 (hg19) VCF-style: chr17-41243713-C-T.
Other names: 3954G>A; c.3622G>A, p.Ala1208Thr (NM_001407571.1, NM_001407853.1, NM_001407894.1 and 9 more transcripts); c.3835G>A, p.Ala1279Thr (NM_001407581.1, NM_001407582.1, NM_001407602.1 and 30 more transcripts); c.3832G>A, p.Ala1278Thr (NM_001407610.1, NM_001407611.1, NM_001407612.1 and 22 more transcripts); c.3826G>A, p.Ala1276Thr (NM_001407646.1, NM_001407647.1); c.3712G>A, p.Ala1238Thr (NM_001407648.1, NM_001407664.1, NM_001407665.1 and 19 more transcripts); c.3709G>A, p.Ala1237Thr (NM_001407649.1, NM_001407670.1, NM_001407671.1 and 11 more transcripts); c.3757G>A, p.Ala1253Thr (NM_001407653.1, NM_001407654.1, NM_001407655.1 and 4 more transcripts); and 42 more; short protein forms A1279T, A1232T, A1151T, A1168T, A1190T, A1231T, A1237T, A1253T.
Identifiers: ClinVar variation 55020 (VCV000055020.29), dbSNP rs80357036, ClinGen allele CA002469.